The following is an entry in ClinVar:

ClinVar aggregate classification (germline): Uncertain significance (1 of 4 stars; one submission).

Conditions:
Ehlers-Danlos syndrome, classic type, 1 (EDSCL1). Also called: EHLERS-DANLOS SYNDROME, GRAVIS TYPE; EHLERS-DANLOS SYNDROME, SEVERE CLASSIC TYPE; EDS I; Ehlers-Danlos Syndrome, Classic Type, COL5A1-Related; Ehlers-Danlos syndrome, type 1. Identifiers: MedGen C0268335, MONDO:0019567, OMIM 130000.

Submission:

Labcorp Genetics (formerly Invitae), Labcorp
Classification: Uncertain significance for Ehlers-Danlos syndrome, classic type, 1. Last evaluated: 2022-02-03. Review status: criteria provided, single submitter. Criteria: Invitae Variant Classification Sherloc (09022015). Collection method: clinical testing. Allele origin: germline.
Comment: Algorithms developed to predict the effect of missense changes on protein structure and function are either unavailable or do not agree on the potential impact of this missense change (SIFT: "Deleterious"; PolyPhen-2: "Not Available"; Align-GVGD: "Class C65"). In summary, the available evidence is currently insufficient to determine the role of this variant in disease. Therefore, it has been classified as a Variant of Uncertain Significance. ClinVar contains an entry for this variant (Variation ID: 1035188). This variant has not been reported in the literature in individuals affected with COL5A1-related conditions. This variant is not present in population databases (gnomAD no frequency). This sequence change replaces aspartic acid, which is acidic and polar, with tyrosine, which is neutral and polar, at codon 813 of the COL5A1 protein (p.Asp813Tyr).

NM_000093.5(COL5A1):c.2437G>T (p.Asp813Tyr)

Gene: COL5A1 (collagen type V alpha 1 chain; plus strand). Cytogenetic location: 9q34.3.
Variant type: single nucleotide variant.
Coding change: c.2437G>T on transcript NM_000093.5 (MANE Select); coding-DNA position 2437, G replaced by T.
Protein change: p.Asp813Tyr; replaces aspartic acid 813 with tyrosine.
Molecular consequence: missense variant.
Genome position (GRCh38, 1-based): chr9:134,782,673, G>T. VCF-style: chr9-134782673-G-T. GRCh37 (hg19) VCF-style: chr9-137674519-G-T.
Other names: c.2437G>T, p.Asp813Tyr (NM_001278074.1); short protein forms D813Y.
Identifiers: ClinVar variation 1035188 (VCV001035188.10), dbSNP rs1837306111, ClinGen allele CA375453943.